The following is an entry in ClinVar:

NM_001031689.3(PLAA):c.739G>A (p.Val247Met)

Gene: PLAA (phospholipase A2 activating protein; minus strand). Cytogenetic location: 9p21.2.
Variant type: single nucleotide variant.
Coding change: c.739G>A on transcript NM_001031689.3 (MANE Select); coding-DNA position 739, G replaced by A.
Protein change: p.Val247Met; replaces valine 247 with methionine.
Molecular consequence: missense variant.
Genome position (GRCh38, 1-based): chr9:26,925,955, C>T on the plus strand (G>A on the coding strand, the complement: PLAA is on the minus strand). VCF-style: chr9-26925955-C-T. GRCh37 (hg19) VCF-style: chr9-26925953-C-T.
Other names: c.739G>A, p.Val247Met (NM_001321546.2); short protein forms V247M.
Identifiers: ClinVar variation 1438140 (VCV001438140.6), dbSNP rs2131392564, ClinGen allele CA373133398.
Genomic context (GRCh38, chr9:26,925,955, plus strand): 5'-TAGTTTGAGCACATTCCCCATGTTTCCAGATTCTCAGAGATCTGTCCTCTGCTGTTGTCA[C>T]AAAGTCTAAAATTAATGAATATAGGAAGTATTAGTTTGAATAAAATTAAGTACATTTATA-3'
Protein context (NP_001026859.1, residues 237-257): ISVFPNCRDF[Val247Met]TTAEDRSLRI

ClinVar aggregate classification (germline): Uncertain significance (1 of 4 stars; one submission).

Allele frequency attached by ClinVar (database versions not stated): gnomAD exomes below 0.00001.
gnomAD v4.1: 3 of 1,612,242 alleles (0.00019%); highest among the groups gnomAD compares: Non-Finnish European, 0.00025%; no homozygotes.

Submission:

Labcorp Genetics (formerly Invitae), Labcorp
Classification: Uncertain significance. Last evaluated: 2021-11-23. Review status: criteria provided, single submitter. Criteria: Invitae Variant Classification Sherloc (09022015). Collection method: clinical testing. Allele origin: germline.
Comment: In summary, the available evidence is currently insufficient to determine the role of this variant in disease. Therefore, it has been classified as a Variant of Uncertain Significance. Algorithms developed to predict the effect of missense changes on protein structure and function are either unavailable or do not agree on the potential impact of this missense change (SIFT: "Deleterious"; PolyPhen-2: "Possibly Damaging"; Align-GVGD: "Class C0"). This variant has not been reported in the literature in individuals affected with PLAA-related conditions. This variant is not present in population databases (gnomAD no frequency). This sequence change replaces valine, which is neutral and non-polar, with methionine, which is neutral and non-polar, at codon 247 of the PLAA protein (p.Val247Met).